The following is an entry in ClinVar:

NM_007055.4(POLR3A):c.2196C>T (p.Asn732=)

Gene: POLR3A (RNA polymerase III subunit A; minus strand). Cytogenetic location: 10q22.3.
Variant type: single nucleotide variant.
Coding change: c.2196C>T on transcript NM_007055.4 (MANE Select); coding-DNA position 2196, C replaced by T.
Protein change: p.Asn732=; no amino-acid change (asparagine 732 retained).
Molecular consequence: synonymous variant.
Genome position (GRCh38, 1-based): chr10:78,004,767, G>A on the plus strand (C>T on the coding strand, the complement: POLR3A is on the minus strand). VCF-style: chr10-78004767-G-A. GRCh37 (hg19) VCF-style: chr10-79764525-G-A.
Other names: p.Asn732=.
Identifiers: ClinVar variation 780871 (VCV000780871.18), dbSNP rs148527796, ClinGen allele CA5571201.

ClinVar aggregate classification (germline): Benign/Likely benign. Review status: criteria provided, multiple submitters, no conflicts (2 of 4 stars). 5 submissions from 5 submitters: Benign (1); Likely benign (3). 1 of the submissions does not count toward it. Last evaluated 2026-02-01.

Conditions:
Leukodystrophy, hypomyelinating, 7, with or without oligodontia and/or hypogonadotropic hypogonadism (HLD7). Also called: LEUKOENCEPHALOPATHY, HYPOMYELINATING, WITH ATAXIA AND DELAYED DENTITION; ATAXIA, DELAYED DENTITION, AND HYPOMYELINATION; LEUKODYSTROPHY, HYPOMYELINATING, 7, WITH OLIGODONTIA; LEUKODYSTROPHY, HYPOMYELINATING, 7, WITH OLIGODONTIA AND HYPOGONADOTROPIC HYPOGONADISM; LEUKODYSTROPHY, HYPOMYELINATING, 7, WITHOUT OLIGODONTIA OR HYPOGONADOTROPIC HYPOGONADISM; Ataxia, Delayed Dentition and Hypomyelination (ADDH). Identifiers: OMIM 607694, Orphanet 137639, Orphanet 447893, Orphanet 447896, Orphanet 77295, Orphanet 88637, MedGen CN034185, MONDO:0011897.
POLR3A-related disorder. Also called: POLR3A-related condition; POLR3A-related disorders. Identifiers: MedGen CN378587, MONDO:0700276.

Allele frequency attached by ClinVar (database versions not stated): gnomAD exomes 0.00024 and 0.00059; ExAC 0.00072; gnomAD 0.00231 and 0.00249; 1000 Genomes Project 0.00260; ESP Exome Variant Server 0.00261; TOPMed 0.00267; 1000 Genomes Project 30x 0.00312.

Submissions (5):

Labcorp Genetics (formerly Invitae), Labcorp
Classification: Benign. Last evaluated: 2026-02-01. Review status: criteria provided, single submitter. Criteria: Invitae Variant Classification Sherloc (09022015). Collection method: clinical testing. Allele origin: germline.

Mayo Clinic Laboratories, Mayo Clinic
Classification: Likely benign. Last evaluated: 2025-03-04. Review status: criteria provided, single submitter. Criteria: ACMG Guidelines, 2015. Collection method: clinical testing. Allele origin: germline. Observed: 2 variant alleles.
Comment: BS1, BP4, BP7

Blueprint Genetics
Classification: Likely benign. Last evaluated: 2024-10-30. Review status: criteria provided, single submitter. Criteria: ACMG Guidelines, 2015. Collection method: clinical testing. Allele origin: germline.

Illumina Laboratory Services, Illumina
Classification: Likely benign for Leukodystrophy, hypomyelinating, 7, with or without oligodontia and/or hypogonadotropic hypogonadism. Last evaluated: 2018-01-13. Review status: criteria provided, single submitter. Criteria: ICSL Variant Classification Criteria 13 December 2019. Collection method: clinical testing. Allele origin: germline.
Comment: This variant was observed in the ICSL laboratory as part of a predisposition screen in an ostensibly healthy population. It had not been previously curated by ICSL or reported in the Human Gene Mutation Database (HGMD: prior to June 1st, 2018), and was therefore a candidate for classification through an automated scoring system. Utilizing variant allele frequency, disease prevalence and penetrance estimates, and inheritance mode, an automated score was calculated to assess if this variant is too frequent to cause the disease. Based on the score and internal cut-off values, a variant classified as likely benign is not then subjected to further curation. The score for this variant resulted in a classification of likely benign for this disease.

PreventionGenetics, part of Exact Sciences
Classification: Benign for POLR3A-related condition. Last evaluated: 2022-08-30. Review status: no assertion criteria provided. Collection method: clinical testing. Allele origin: germline. Not counted in ClinVar's aggregate classification.
Comment: This variant is classified as benign based on ACMG/AMP sequence variant interpretation guidelines (Richards et al. 2015 PMID: 25741868, with internal and published modifications).